The following is an entry in ClinVar:

NM_003072.5(SMARCA4):c.3546+16G>A

Gene: SMARCA4 (SWI/SNF related BAF chromatin remodeling complex subunit ATPase 4; plus strand). Cytogenetic location: 19p13.2.
Variant type: single nucleotide variant.
Coding change: c.3546+16G>A on transcript NM_003072.5 (MANE Select); 16 bases into the intron after coding-DNA position 3546, G replaced by A.
Molecular consequence: intron variant.
Genome position (GRCh38, 1-based): chr19:11,030,909, G>A. VCF-style: chr19-11030909-G-A. GRCh37 (hg19) VCF-style: chr19-11141585-G-A.
Other names: c.3546+16G>A (NM_001128844.3, NM_001128849.3, NM_001128847.4 and 5 more transcripts).
Identifiers: ClinVar variation 133385 (VCV000133385.5), dbSNP rs587777972, ClinGen allele CA156476.

ClinVar aggregate classification (germline): Likely benign. Review status: criteria provided, single submitter (1 of 4 stars). 2 submissions from 2 submitters: Likely benign (1). 1 of the submissions does not count toward it. Last evaluated 2021-12-23.

Conditions:
Rhabdoid tumor predisposition syndrome 2 (RTPS2). Identifiers: Orphanet 231108, Orphanet 69077, MedGen C2750074, MONDO:0013224, OMIM 613325.

Submissions (2):

Labcorp Genetics (formerly Invitae), Labcorp
Classification: Likely benign for Rhabdoid tumor predisposition syndrome 2. Last evaluated: 2021-12-23. Review status: criteria provided, single submitter. Criteria: Invitae Variant Classification Sherloc (09022015). Collection method: clinical testing. Allele origin: germline.

ITMI
No classification provided. Condition: AllHighlyPenetrant. Last evaluated: 2013-09-19. Review status: no classification provided. Collection method: reference population. Allele origin: germline. Not counted in ClinVar's aggregate classification.
Comment: Please see associated publication for description of ethnicities

Literature cited by the submitters: PubMed 24728327 (cited by ITMI).